The following is an entry in ClinVar:

NM_001330078.2(NRXN1):c.3919G>A (p.Val1307Ile)

Gene: NRXN1 (neurexin 1; minus strand). Cytogenetic location: 2p16.3.
Variant type: single nucleotide variant.
Coding change: c.3919G>A on transcript NM_001330078.2 (MANE Select); coding-DNA position 3919, G replaced by A.
Protein change: p.Val1307Ile; replaces valine 1307 with isoleucine.
Molecular consequence: missense variant.
Genome position (GRCh38, 1-based): chr2:50,053,480, C>T on the plus strand (G>A on the coding strand, the complement: NRXN1 is on the minus strand). VCF-style: chr2-50053480-C-T. GRCh37 (hg19) VCF-style: chr2-50280618-C-T.
Other names: c.4039G>A, p.Val1347Ile (NM_001135659.3); c.3895G>A, p.Val1299Ile (NM_001330077.2, NM_001330082.2); c.3763G>A, p.Val1255Ile (NM_001330083.2); c.3853G>A, p.Val1285Ile (NM_001330084.2); c.3892G>A, p.Val1298Ile (NM_001330085.2); c.3919G>A, p.Val1307Ile (NM_001330086.2); c.3718G>A, p.Val1240Ile (NM_001330087.2, NM_001330096.2); c.3748G>A, p.Val1250Ile (NM_001330088.2); and 6 more; short protein forms V1347I, V1260I, V1298I, V242I, V1250I, V1303I, V1307I, V272I.
Identifiers: ClinVar variation 472649 (VCV000472649.16), dbSNP rs200044811, ClinGen allele CA47835511.

ClinVar aggregate classification (germline): Uncertain significance. Review status: criteria provided, multiple submitters, no conflicts (2 of 4 stars). 2 submissions from 2 submitters: Uncertain significance (2). Last evaluated 2025-11-22.

Conditions:
Inborn genetic diseases. Identifiers: MedGen C0950123, MeSH D030342.
Pitt-Hopkins-like syndrome 2 (PTHSL2). Identifiers: Orphanet 221150, Orphanet 600663, MedGen C3280479, MONDO:0013690, OMIM 614325.

Allele frequency attached by ClinVar (database versions not stated): gnomAD 0.00001; TOPMed 0.00001; gnomAD exomes 0.00002 and 0.00004.
gnomAD v4.1: 16 of 1,613,916 alleles (0.00099%); highest among the groups gnomAD compares: Admixed American, 0.027%; no homozygotes.

Submissions (2):

Labcorp Genetics (formerly Invitae), Labcorp
Classification: Uncertain significance for Pitt-Hopkins-like syndrome 2. Last evaluated: 2025-11-22. Review status: criteria provided, single submitter. Criteria: Invitae Variant Classification Sherloc (09022015). Collection method: clinical testing. Allele origin: germline.
Comment: This sequence change replaces valine, which is neutral and non-polar, with isoleucine, which is neutral and non-polar, at codon 1347 of the NRXN1 protein (p.Val1347Ile). This variant is present in population databases (rs200044811, gnomAD 0.04%). This variant has not been reported in the literature in individuals affected with NRXN1-related conditions. ClinVar contains an entry for this variant (Variation ID: 472649). Invitae Evidence Modeling of protein sequence and biophysical properties (such as structural, functional, and spatial information, amino acid conservation, physicochemical variation, residue mobility, and thermodynamic stability) indicates that this missense variant is not expected to disrupt NRXN1 protein function with a negative predictive value of 80%. In summary, the available evidence is currently insufficient to determine the role of this variant in disease. Therefore, it has been classified as a Variant of Uncertain Significance.

Ambry Genetics
Classification: Uncertain significance for Inborn genetic diseases. Last evaluated: 2025-05-18. Review status: criteria provided, single submitter. Criteria: Ambry Variant Classification Scheme 2023. Collection method: clinical testing. Allele origin: germline.